The following is an entry in ClinVar:

NM_024675.4(PALB2):c.2220A>C (p.Gln740His)

Gene: PALB2 (partner and localizer of BRCA2; minus strand). Cytogenetic location: 16p12.2.
Variant type: single nucleotide variant.
Coding change: c.2220A>C on transcript NM_024675.4 (MANE Select); coding-DNA position 2220, A replaced by C.
Protein change: p.Gln740His; replaces glutamine 740 with histidine.
Molecular consequence: missense variant.
Genome position (GRCh38, 1-based): chr16:23,629,934, T>G on the plus strand (A>C on the coding strand, the complement: PALB2 is on the minus strand). VCF-style: chr16-23629934-T-G. GRCh37 (hg19) VCF-style: chr16-23641255-T-G.
Other names: short protein forms Q740H.
Identifiers: ClinVar variation 836868 (VCV000836868.15), dbSNP rs1057523562, ClinGen allele CA395125552.

ClinVar aggregate classification (germline): Uncertain significance. Review status: criteria provided, multiple submitters, no conflicts (2 of 4 stars). 2 submissions from 2 submitters: Uncertain significance (2). Last evaluated 2025-11-10.

Conditions:
Familial cancer of breast. Also called: hereditary breast carcinoma; BREAST CANCER, FAMILIAL; Hereditary breast cancer. Identifiers: Orphanet 227535, MedGen C0346153, MONDO:0016419, OMIM 114480. Disease mechanism: loss of function.
Hereditary cancer-predisposing syndrome. Also called: Hereditary neoplastic syndrome; Neoplastic Syndromes, Hereditary; Tumor predisposition; Hereditary Cancer Syndrome. Identifiers: Orphanet 140162, MedGen C0027672, MeSH D009386, MONDO:0015356.

Submissions (2):

Color Diagnostics, LLC DBA Color Health
Classification: Uncertain significance for Hereditary cancer-predisposing syndrome. Last evaluated: 2025-11-10. Review status: criteria provided, single submitter. Criteria: ACMG Guidelines, 2015. Collection method: clinical testing. Allele origin: germline.
Comment: This missense variant replaces glutamine with histidine at codon 740 of the PALB2 protein. Computational prediction suggests that this variant may not impact protein structure and function. To our knowledge, functional studies have not been reported for this variant. This variant has not been reported in individuals affected with hereditary cancer in the literature. This variant has not been identified in the general population by the Genome Aggregation Database (gnomAD). The available evidence is insufficient to determine the role of this variant in disease conclusively. Therefore, this variant is classified as a Variant of Uncertain Significance.

Labcorp Genetics (formerly Invitae), Labcorp
Classification: Uncertain significance for Familial cancer of breast. Last evaluated: 2024-04-16. Review status: criteria provided, single submitter. Criteria: Invitae Variant Classification Sherloc (09022015). Collection method: clinical testing. Allele origin: germline.
Comment: This sequence change replaces glutamine, which is neutral and polar, with histidine, which is basic and polar, at codon 740 of the PALB2 protein (p.Gln740His). This variant is not present in population databases (gnomAD no frequency). This variant has not been reported in the literature in individuals affected with PALB2-related conditions. ClinVar contains an entry for this variant (Variation ID: 836868). Advanced modeling of protein sequence and biophysical properties (such as structural, functional, and spatial information, amino acid conservation, physicochemical variation, residue mobility, and thermodynamic stability) has been performed at Invitae for this missense variant, however the output from this modeling did not meet the statistical confidence thresholds required to predict the impact of this variant on PALB2 protein function. In summary, the available evidence is currently insufficient to determine the role of this variant in disease. Therefore, it has been classified as a Variant of Uncertain Significance.